The following is an entry in ClinVar:

ClinVar aggregate classification (germline): Pathogenic (1 of 4 stars; one submission).

Conditions:
Hereditary factor VIII deficiency disease (HEMA). Also called: HEMOPHILIA, CLASSIC; AUTOSOMAL HEMOPHILIA A; Hemophilia A; Hemophilia A, congenital; HEM A; Factor 8 deficiency, congenital. Identifiers: Orphanet 98878, MedGen C0019069, MONDO:0010602, OMIM 306700.

Submission:

Women's Health and Genetics/Laboratory Corporation of America, LabCorp
Classification: Pathogenic for Hereditary factor VIII deficiency disease. Last evaluated: 2023-12-22. Review status: criteria provided, single submitter. Criteria: LabCorp Variant Classification Summary - May 2015. Collection method: clinical testing. Allele origin: germline.
Comment: Variant summary: The variant involves the deletion of exon 15 in the F8 gene. A presumed nomenclature of c.(5219+1_5220-1)_(5373+1_5374-1)del has been designated for the purposes of this classification. This Copy Number Variant (CNV) is expected to alter the reading frame and predicted to result in a truncation or absence of the encoded protein due to nonsense mediated decay (NMD). The variant was absent in 16120 control chromosomes (gnomAD, structural variants dataset). c.(5219+1_5220-1)_(5373+1_5374-1)del has been reported in the literature in the hemizygous state in at least one individual affected with Factor VIII Deficiency (Hemophilia A) (e.g. You_2013). These data suggest the variant is very likely associated with disease. The following publication has been ascertained in the context of this evaluation (PMID: 23551875). No submitters have cited clinical-significance assessments for this variant to ClinVar after 2014. Based on the evidence outlined above, the variant was classified as pathogenic.

Literature cited by the submitters: PubMed 23551875.

NC_000023.10:g.(154133299_154134694)_(154134849_154156845)del

Gene: F8 (coagulation factor VIII; minus strand). Cytogenetic location: Xq28.
Variant type: Deletion.
Identifiers: ClinVar variation 2691377 (VCV002691377.1).